The following is an entry in ClinVar:

NM_025132.4(WDR19):c.1941C>T (p.Asp647=)

Gene: WDR19 (WD repeat domain 19; plus strand). Cytogenetic location: 4p14.
Variant type: single nucleotide variant.
Coding change: c.1941C>T on transcript NM_025132.4 (MANE Select); coding-DNA position 1941, C replaced by T.
Protein change: p.Asp647=; no amino-acid change (aspartic acid 647 retained).
Molecular consequence: synonymous variant.
Genome position (GRCh38, 1-based): chr4:39,228,649, C>T. VCF-style: chr4-39228649-C-T. GRCh37 (hg19) VCF-style: chr4-39230269-C-T.
Other names: c.1461C>T, p.Asp487= (NM_001317924.2).
Identifiers: ClinVar variation 784810 (VCV000784810.10), dbSNP rs753924776, ClinGen allele CA2891970.

ClinVar aggregate classification (germline): Likely benign. Review status: criteria provided, multiple submitters, no conflicts (2 of 4 stars). 2 submissions from 2 submitters: Likely benign (2). Last evaluated 2026-01-11.

Conditions:
Asphyxiating thoracic dystrophy 5 (SRTD5). Also called: SHORT-RIB THORACIC DYSPLASIA 5 WITH OR WITHOUT POLYDACTYLY; SHORT-RIB THORACIC DYSPLASIA 5 WITHOUT POLYDACTYLY. Identifiers: Orphanet 474, MedGen C3280598, MONDO:0013717, OMIM 614376.
Senior-Loken syndrome 8 (SLSN8). Identifiers: Orphanet 3156, MedGen C4225376, MONDO:0014579, OMIM 616307.
WDR19-related disorder. Also called: WDR19-related condition; WDR19-related disorders. Identifiers: MedGen CN380161.

Allele frequency attached by ClinVar (database versions not stated): TOPMed below 0.00001; ExAC 0.00001; gnomAD 0.00001; gnomAD exomes 0.00001.
gnomAD v4.1: 14 of 1,609,540 alleles (0.00087%); highest among the groups gnomAD compares: East Asian, 0.0045%; no homozygotes.

Submissions (2):

Labcorp Genetics (formerly Invitae), Labcorp
Classification: Likely benign for Senior-Loken syndrome 8; Asphyxiating thoracic dystrophy 5. Last evaluated: 2026-01-11. Review status: criteria provided, single submitter. Criteria: Invitae Variant Classification Sherloc (09022015). Collection method: clinical testing. Allele origin: germline.

PreventionGenetics, part of Exact Sciences
Classification: Likely benign for WDR19-related condition. Last evaluated: 2025-03-04. Review status: criteria provided, single submitter. Criteria: ACMG Guidelines, 2015. Collection method: clinical testing. Allele origin: germline.
Comment: This variant is classified as likely benign based on ACMG/AMP sequence variant interpretation guidelines (Richards et al. 2015 PMID: 25741868, with internal and published modifications).